The following is an entry in ClinVar:

NM_003601.4(SMARCA5):c.2127_2128del (p.Ser710fs)

Gene: SMARCA5 (SNF2 related chromatin remodeling ATPase 5; plus strand). Cytogenetic location: 4q31.21.
Variant type: Deletion.
Coding change: c.2127_2128del on transcript NM_003601.4 (MANE Select); coding-DNA positions 2127 to 2128, 2 bases deleted (AA; older notation c.2127_2128delAA).
Protein change: p.Ser710fs; shifts the reading frame from serine 710.
Molecular consequence: frameshift variant.
Genome position (GRCh38, 1-based): chr4:143,543,927-143,543,928, AA deleted. VCF-style (leftmost placement, unchanged base first): chr4-143543926-CAA-C. GRCh37 (hg19) VCF-style: chr4-144465079-CAA-C.
Other names: short protein forms S710fs.
Identifiers: ClinVar variation 3903405 (VCV003903405.1).

ClinVar aggregate classification (germline): Uncertain significance (1 of 4 stars; one submission).

Submission:

GeneDx
Classification: Uncertain significance. Last evaluated: 2024-12-15. Review status: criteria provided, single submitter. Criteria: GeneDx Variant Classification Process June 2021. Collection method: clinical testing. Allele origin: germline. Affected: yes.
Comment: Not observed at significant frequency in large population cohorts (gnomAD); Frameshift variant predicted to result in protein truncation or nonsense mediated decay in a gene or region of a gene for which loss of function is not a well-established mechanism of disease; Has not been previously published as pathogenic or benign to our knowledge